The following is an entry in ClinVar:

ClinVar aggregate classification (germline): Uncertain significance (1 of 4 stars; one submission).

gnomAD v4.1: 7 of 1,087,658 alleles (0.00064%); highest among the groups gnomAD compares: African/African-American, 0.0034%; no homozygotes.

Submission:

Labcorp Genetics (formerly Invitae), Labcorp
Classification: Uncertain significance. Last evaluated: 2024-02-13. Review status: criteria provided, single submitter. Criteria: Invitae Variant Classification Sherloc (09022015). Collection method: clinical testing. Allele origin: germline.
Comment: This sequence change replaces arginine, which is basic and polar, with histidine, which is basic and polar, at codon 942 of the GRIN2D protein (p.Arg942His). The frequency data for this variant in the population databases is considered unreliable, as metrics indicate insufficient coverage at this position in the gnomAD database. This variant has not been reported in the literature in individuals affected with GRIN2D-related conditions. Advanced modeling of protein sequence and biophysical properties (such as structural, functional, and spatial information, amino acid conservation, physicochemical variation, residue mobility, and thermodynamic stability) performed at Invitae indicates that this missense variant is not expected to disrupt GRIN2D protein function with a negative predictive value of 95%. In summary, the available evidence is currently insufficient to determine the role of this variant in disease. Therefore, it has been classified as a Variant of Uncertain Significance.

NM_000836.4(GRIN2D):c.2825G>A (p.Arg942His)

Gene: GRIN2D (glutamate ionotropic receptor NMDA type subunit 2D; plus strand). Cytogenetic location: 19q13.33.
Variant type: single nucleotide variant.
Coding change: c.2825G>A on transcript NM_000836.4 (MANE Select); coding-DNA position 2825, G replaced by A.
Protein change: p.Arg942His; replaces arginine 942 with histidine.
Molecular consequence: missense variant.
Genome position (GRCh38, 1-based): chr19:48,442,751, G>A. VCF-style: chr19-48442751-G-A. GRCh37 (hg19) VCF-style: chr19-48946008-G-A.
Other names: short protein forms R942H.
Identifiers: ClinVar variation 3670796 (VCV003670796.2).